The following is an entry in ClinVar:

NM_002225.5(IVD):c.452C>G (p.Pro151Arg)

Gene: IVD (isovaleryl-CoA dehydrogenase; plus strand). Cytogenetic location: 15q15.1.
Variant type: single nucleotide variant.
Coding change: c.452C>G on transcript NM_002225.5 (MANE Select); coding-DNA position 452, C replaced by G.
Protein change: p.Pro151Arg; replaces proline 151 with arginine.
Molecular consequence: missense variant. On other transcripts: non-coding transcript variant (1).
Genome position (GRCh38, 1-based): chr15:40,410,793, C>G. VCF-style: chr15-40410793-C-G. GRCh37 (hg19) VCF-style: chr15-40702992-C-G.
Other names: c.362C>G, p.Pro121Arg (NM_001159508.3); c.404C>G, p.Pro135Arg (NM_001354597.3); c.452C>G, p.Pro151Arg (NM_001354598.3, NM_001354601.3); c.539C>G, p.Pro180Arg (NM_001354599.3, NM_001354600.3); short protein forms P121R, P151R, P180R, P135R.
Identifiers: ClinVar variation 2063799 (VCV002063799.1), dbSNP rs368039768, ClinGen allele CA268780065.
Genomic context (GRCh38, chr15:40,410,793, plus strand): 5'-ACCTCTGCATCAACCAGCTTGTACGCAATGGGAATGAGGCCCAGAAAGAGAAGTATCTCC[C>G]GAAGGTGAGGAAATGGAAATGTAATACACGCTAATCTCACAGTGCAACCACCAACTAAAA-3'
Protein context (NP_002216.3, residues 141-161): GNEAQKEKYL[Pro151Arg]KLISGEYIGA

ClinVar aggregate classification (germline): Uncertain significance (1 of 4 stars; one submission).

Conditions:
Isovaleryl-CoA dehydrogenase deficiency (IVA). Also called: ISOVALERIC ACID CoA DEHYDROGENASE DEFICIENCY; Isovaleric acidemia; IVD DEFICIENCY; Classic Isovaleric Acidemia. Identifiers: Orphanet 33, MedGen C0268575, MONDO:0009475, OMIM 243500.

Submission:

Labcorp Genetics (formerly Invitae), Labcorp
Classification: Uncertain significance for Isovaleryl-CoA dehydrogenase deficiency. Last evaluated: 2022-08-16. Review status: criteria provided, single submitter. Criteria: Invitae Variant Classification Sherloc (09022015). Collection method: clinical testing. Allele origin: germline.
Comment: This sequence change replaces proline, which is neutral and non-polar, with arginine, which is basic and polar, at codon 154 of the IVD protein (p.Pro154Arg). This variant is not present in population databases (gnomAD no frequency). This variant has not been reported in the literature in individuals affected with IVD-related conditions. Algorithms developed to predict the effect of missense changes on protein structure and function (SIFT, PolyPhen-2, Align-GVGD) all suggest that this variant is likely to be disruptive. In summary, the available evidence is currently insufficient to determine the role of this variant in disease. Therefore, it has been classified as a Variant of Uncertain Significance.